The following is an entry in ClinVar:

NM_198681.4(PLEKHG5):c.-165+5G>C

Genes: PLEKHG5 (pleckstrin homology and RhoGEF domain containing G5; minus strand), LOC129388429 (MPRA-validated peak31 silencer; plus strand). Cytogenetic location: 1p36.31.
Variant type: single nucleotide variant.
Coding change: c.-165+5G>C on transcript NM_198681.4; 5 bases into the intron after 165 bases upstream of the start codon, G replaced by C.
Molecular consequence: intron variant.
Genome position (GRCh38, 1-based): chr1:6,519,440, C>G on the plus strand (G>C on the coding strand, the complement: PLEKHG5 is on the minus strand). VCF-style: chr1-6519440-C-G. GRCh37 (hg19) VCF-style: chr1-6579500-C-G.
Identifiers: ClinVar variation 4980414 (VCV004980414.1).

ClinVar aggregate classification (germline): Uncertain significance (1 of 4 stars; one submission).

Conditions:
PLEKHG5-related disorder. Also called: PLEKHG5-related condition.

gnomAD v4.1: 165 of 1,608,110 alleles (0.01%); highest among the groups gnomAD compares: Non-Finnish European, 0.013%; no homozygotes.

Submission:

PreventionGenetics, part of Exact Sciences
Classification: Uncertain significance for PLEKHG5-related condition. Last evaluated: 2026-09-14. Review status: criteria provided, single submitter. Criteria: ACMG Guidelines, 2015. Collection method: clinical testing. Allele origin: germline.
Comment: The PLEKHG5 c.67+5G>C variant is predicted to interfere with splicing. This variant can also be referred to as c.-27891G>C (pre-coding) in an alternate isoform, NM_020631. To our knowledge, this variant has not been reported in the literature. This variant is reported in 0.019% of alleles in individuals of European (Non-Finnish) descent in gnomAD. Although we suspect that this variant may be pathogenic, at this time, the clinical significance of this variant is uncertain due to the absence of conclusive functional and genetic evidence.